The following is an entry in ClinVar:

ClinVar aggregate classification (germline): Uncertain significance. Review status: criteria provided, multiple submitters, no conflicts (2 of 4 stars). 3 submissions from 3 submitters: Uncertain significance (3). Last evaluated 2024-07-12.

Conditions:
Inborn genetic diseases. Identifiers: MedGen C0950123, MeSH D030342.

Allele frequency attached by ClinVar (database versions not stated): gnomAD exomes below 0.00001; TOPMed 0.00001; gnomAD 0.00003.
gnomAD v4.1: 5 of 1,614,048 alleles (0.00031%); highest among the groups gnomAD compares: African/African-American, 0.0067%; no homozygotes.

Submissions (3):

Labcorp Genetics (formerly Invitae), Labcorp
Classification: Uncertain significance. Last evaluated: 2024-07-12. Review status: criteria provided, single submitter. Criteria: Invitae Variant Classification Sherloc (09022015). Collection method: clinical testing. Allele origin: germline.
Comment: This sequence change replaces alanine, which is neutral and non-polar, with serine, which is neutral and polar, at codon 154 of the TOPORS protein (p.Ala154Ser). This variant is present in population databases (no rsID available, gnomAD 0.008%). This variant has not been reported in the literature in individuals affected with TOPORS-related conditions. ClinVar contains an entry for this variant (Variation ID: 1025448). An algorithm developed to predict the effect of missense changes on protein structure and function (PolyPhen-2) suggests that this variant is likely to be disruptive. In summary, the available evidence is currently insufficient to determine the role of this variant in disease. Therefore, it has been classified as a Variant of Uncertain Significance.

Ambry Genetics
Classification: Uncertain significance for Inborn genetic diseases. Last evaluated: 2023-05-05. Review status: criteria provided, single submitter. Criteria: Ambry Variant Classification Scheme 2023. Collection method: clinical testing. Allele origin: germline.

Blueprint Genetics
Classification: Uncertain significance. Last evaluated: 2021-09-06. Review status: criteria provided, single submitter. Criteria: ACMG Guidelines, 2015. Collection method: clinical testing. Allele origin: germline.

NM_005802.5(TOPORS):c.460G>T (p.Ala154Ser)

Gene: TOPORS (TOP1 binding arginine/serine rich protein, E3 ubiquitin ligase; minus strand). Cytogenetic location: 9p21.1.
Variant type: single nucleotide variant.
Coding change: c.460G>T on transcript NM_005802.5 (MANE Select); coding-DNA position 460, G replaced by T.
Protein change: p.Ala154Ser; replaces alanine 154 with serine.
Molecular consequence: missense variant.
Genome position (GRCh38, 1-based): chr9:32,544,065, C>A on the plus strand (G>T on the coding strand, the complement: TOPORS is on the minus strand). VCF-style: chr9-32544065-C-A. GRCh37 (hg19) VCF-style: chr9-32544063-C-A.
Other names: c.265G>T, p.Ala89Ser (NM_001195622.2); c.460G>T (NM_005802.4); short protein forms A154S, A89S.
Identifiers: ClinVar variation 1025448 (VCV001025448.9), dbSNP rs17855104, ClinGen allele CA373172580.